The following is an entry in ClinVar:

NM_005427.4(TP73):c.1008C>T (p.Ala336=)

Gene: TP73 (tumor protein p73; plus strand). Cytogenetic location: 1p36.32.
Variant type: single nucleotide variant.
Coding change: c.1008C>T on transcript NM_005427.4 (MANE Select); coding-DNA position 1008, C replaced by T.
Protein change: p.Ala336=; no amino-acid change (alanine 336 retained).
Molecular consequence: synonymous variant.
Genome position (GRCh38, 1-based): chr1:3,728,151, C>T. VCF-style: chr1-3728151-C-T. GRCh37 (hg19) VCF-style: chr1-3644715-C-T.
Other names: c.861C>T, p.Ala287= (NM_001126240.3, NM_001126241.3, NM_001126242.3 and 3 more transcripts); c.1008C>T, p.Ala336= (NM_001204184.2, NM_001204185.2, NM_001204186.2 and 2 more transcripts); c.795C>T, p.Ala265= (NM_001204192.2).
Identifiers: ClinVar variation 3056552 (VCV003056552.2), dbSNP rs12046074, ClinGen allele CA549345.

ClinVar aggregate classification (germline): Benign (0 of 4 stars; one submission).

Conditions:
TP73-related disorder. Also called: TP73-related condition.

Allele frequency attached by ClinVar (database versions not stated): gnomAD exomes 0.04111; ESP Exome Variant Server 0.05005; gnomAD 0.05278; TOPMed 0.05315; ExAC 0.05645; 1000 Genomes Project 30x 0.07542; 1000 Genomes Project 0.07847.
gnomAD v4.1: 68,801 of 1,611,290 alleles (4.3%); highest among the groups gnomAD compares: East Asian, 17%; 2,317 homozygotes.

Submission:

PreventionGenetics, part of Exact Sciences
Classification: Benign for TP73-related condition. Last evaluated: 2022-06-20. Review status: no assertion criteria provided. Collection method: clinical testing. Allele origin: germline.
Comment: This variant is classified as benign based on ACMG/AMP sequence variant interpretation guidelines (Richards et al. 2015 PMID: 25741868, with internal and published modifications).